The following is an entry in ClinVar:

NM_002386.4(MC1R):c.698A>C (p.Gln233Pro)

Gene: MC1R (melanocortin 1 receptor; plus strand). Cytogenetic location: 16q24.3.
Variant type: single nucleotide variant.
Coding change: c.698A>C on transcript NM_002386.4 (MANE Select); coding-DNA position 698, A replaced by C.
Protein change: p.Gln233Pro; replaces glutamine 233 with proline.
Molecular consequence: missense variant.
Genome position (GRCh38, 1-based): chr16:89,919,956, A>C. VCF-style: chr16-89919956-A-C. GRCh37 (hg19) VCF-style: chr16-89986364-A-C.
Other names: short protein forms Q233P.
Identifiers: ClinVar variation 1061028 (VCV001061028.9), dbSNP rs2144392840, ClinGen allele CA397462813.

ClinVar aggregate classification (germline): Uncertain significance (1 of 4 stars; one submission).

Conditions:
Melanoma, cutaneous malignant, susceptibility to, 5. Also called: Cutaneous malignant melanoma 5. Identifiers: Orphanet 618, MedGen C2751295, MONDO:0013133, OMIM 613099.

Submission:

Labcorp Genetics (formerly Invitae), Labcorp
Classification: Uncertain significance for Melanoma, cutaneous malignant, susceptibility to, 5. Last evaluated: 2020-05-26. Review status: criteria provided, single submitter. Criteria: Invitae Variant Classification Sherloc (09022015). Collection method: clinical testing. Allele origin: germline.
Comment: In summary, the available evidence is currently insufficient to determine the role of this variant in disease. Therefore, it has been classified as a Variant of Uncertain Significance. Algorithms developed to predict the effect of missense changes on protein structure and function are either unavailable or do not agree on the potential impact of this missense change (SIFT: "Deleterious"; PolyPhen-2: "Benign"; Align-GVGD: "Class C15"). This variant has not been reported in the literature in individuals with MC1R-related conditions. This variant is not present in population databases (ExAC no frequency). This sequence change replaces glutamine with proline at codon 233 of the MC1R protein (p.Gln233Pro). The glutamine residue is highly conserved and there is a moderate physicochemical difference between glutamine and proline.